The following is an entry in ClinVar:

ClinVar aggregate classification (germline): Likely pathogenic (1 of 4 stars; one submission).

Submission:

Labcorp Genetics (formerly Invitae), Labcorp
Classification: Likely pathogenic. Last evaluated: 2022-07-06. Review status: criteria provided, single submitter. Criteria: Invitae Variant Classification Sherloc (09022015). Collection method: clinical testing. Allele origin: germline.
Comment: This variant has not been reported in the literature in individuals affected with COL27A1-related conditions. This variant is not present in population databases (gnomAD no frequency). This sequence change affects an acceptor splice site in intron 27 of the COL27A1 gene. It is expected to disrupt RNA splicing. Variants that disrupt the donor or acceptor splice site typically lead to a loss of protein function (PMID: 16199547), and loss-of-function variants in COL27A1 are known to be pathogenic (PMID: 24986830, 28276056). Algorithms developed to predict the effect of sequence changes on RNA splicing suggest that this variant may disrupt the consensus splice site. In summary, the currently available evidence indicates that the variant is pathogenic, but additional data are needed to prove that conclusively. Therefore, this variant has been classified as Likely Pathogenic.

Literature cited by the submitters: PubMed 16199547; PubMed 24986830; PubMed 28276056.

NM_032888.4(COL27A1):c.3142-1G>A

Gene: COL27A1 (collagen type XXVII alpha 1 chain; plus strand). Cytogenetic location: 9q32.
Variant type: single nucleotide variant.
Coding change: c.3142-1G>A on transcript NM_032888.4 (MANE Select); the canonical splice acceptor site of the intron before coding-DNA position 3142, G replaced by A.
Molecular consequence: splice acceptor variant.
Genome position (GRCh38, 1-based): chr9:114,258,540, G>A. VCF-style: chr9-114258540-G-A. GRCh37 (hg19) VCF-style: chr9-117020820-G-A.
Identifiers: ClinVar variation 2092633 (VCV002092633.4), dbSNP rs2491339937, ClinGen allele CA374594906.
Genomic context (GRCh38, chr9:114,258,540, plus strand): 5'-CCCCCGTGTTGCTCTCACTTCCTAAAAAGGGGCCTCTCCAAACTCTTTCTCCTCTTCCCA[G>A]GGTCCTCCAGGATCTCGAGGCCCACCAGGCATGAGGGGAGCAAAGGGACGTCGGGTAAGT-3'